The following is an entry in ClinVar:

ClinVar aggregate classification (germline): Benign (3 of 4 stars; one submission).

Conditions:
Breast-ovarian cancer, familial, susceptibility to, 1 (BROVCA1). Also called: BRCA1 Hereditary Breast and Ovarian Cancer; OVARIAN CANCER, SUSCEPTIBILITY TO. Identifiers: Orphanet 145, MedGen C2676676, MONDO:0011450, OMIM 604370. Disease mechanism: loss of function.

Allele frequency attached by ClinVar (database versions not stated): TOPMed 0.00396; 1000 Genomes Project 0.00399; 1000 Genomes Project 30x 0.00453.

Submission:

Evidence-based Network for the Interpretation of Germline Mutant Alleles (ENIGMA)
Classification: Benign for Breast-ovarian cancer, familial 1. Last evaluated: 2015-01-12. Review status: reviewed by expert panel. Criteria: ENIGMA BRCA1/2 Classification Criteria (2015). Collection method: curation. Allele origin: germline.
Comment: Class 1 not pathogenic based on frequency >1% in an outbred sampleset. Frequency 0.01016 (African), derived from 1000 genomes (2012-04-30).

NM_007294.4(BRCA1):c.4185+1787T>G

Gene: BRCA1 (BRCA1 DNA repair associated; minus strand). Cytogenetic location: 17q21.31.
Variant type: single nucleotide variant.
Coding change: c.4185+1787T>G on transcript NM_007294.4 (MANE Select); 1787 bases into the intron after coding-DNA position 4185, T replaced by G.
Molecular consequence: intron variant.
Genome position (GRCh38, 1-based): chr17:43,089,157, A>C on the plus strand (T>G on the coding strand, the complement: BRCA1 is on the minus strand). VCF-style: chr17-43089157-A-C. GRCh37 (hg19) VCF-style: chr17-41241174-A-C.
Other names: IVS 12+1787T>G; c.3921+1787T>G (NM_001407920.1, NM_001407933.1, NM_001407927.1 and 9 more transcripts); c.4044+1787T>G (NM_001407696.1, NM_001407751.1, NM_001407739.1 and 29 more transcripts); c.3849+1787T>G (NM_001407954.1, NM_001407956.1, NM_001407958.1 and 1 more transcripts); c.609+1787T>G (NM_001408504.1, NM_001408503.1, NM_001408505.1); c.732+1787T>G (NM_001408463.1, NM_001408462.1, NM_001408470.1 and 3 more transcripts); c.4041+1787T>G (NM_001407847.1, NM_001407740.1, NM_001407841.1 and 20 more transcripts); c.612+1787T>G (NM_001408499.1, NM_001408498.1, NM_001408501.1 and 3 more transcripts); and 42 more.
Identifiers: ClinVar variation 209431 (VCV000209431.2), dbSNP rs8176162, ClinGen allele CA276403.